The following is an entry in ClinVar:

NM_201384.3(PLEC):c.6914G>A (p.Arg2305Gln)

Gene: PLEC (plectin; minus strand). Cytogenetic location: 8q24.3.
Variant type: single nucleotide variant.
Coding change: c.6914G>A on transcript NM_201384.3 (MANE Select); coding-DNA position 6914, G replaced by A.
Protein change: p.Arg2305Gln; replaces arginine 2305 with glutamine.
Molecular consequence: missense variant.
Genome position (GRCh38, 1-based): chr8:143,923,015, C>T on the plus strand (G>A on the coding strand, the complement: PLEC is on the minus strand). VCF-style: chr8-143923015-C-T. GRCh37 (hg19) VCF-style: chr8-144997183-C-T.
Other names: c.6995G>A, p.Arg2332Gln (NM_000445.5); c.6872G>A, p.Arg2291Gln (NM_201378.4); c.6848G>A, p.Arg2283Gln (NM_201379.3); c.7325G>A, p.Arg2442Gln (NM_201380.4); c.6818G>A, p.Arg2273Gln (NM_201381.3); c.6914G>A, p.Arg2305Gln (NM_201382.4); c.6926G>A, p.Arg2309Gln (NM_201383.3); c.6995G>A (NM_000445.4); short protein forms R2332Q, R2283Q, R2309Q, R2273Q, R2305Q, R2442Q, R2291Q.
Identifiers: ClinVar variation 596318 (VCV000596318.16), dbSNP rs532388907, ClinGen allele CA4925810.

ClinVar aggregate classification (germline): Uncertain significance. Review status: criteria provided, multiple submitters, no conflicts (2 of 4 stars). 5 submissions from 5 submitters: Uncertain significance (4). 1 of the submissions does not count toward it. Last evaluated 2025-10-02.

Conditions:
PLEC-related disorder. Also called: PLEC-related disorders; PLEC-related condition.
Epidermolysis bullosa simplex 5B, with muscular dystrophy (EBS5B). Also called: Epidermolysis bullosa simplex with muscular dystrophy; EPIDERMOLYSIS BULLOSA SIMPLEX AND LIMB-GIRDLE MUSCULAR DYSTROPHY. Identifiers: Orphanet 257, MedGen C2931072, MONDO:0009181, OMIM 226670.
Epidermolysis bullosa simplex, Ogna type (EBS5A). Also called: Pidermolysis bullosa simplex 5A, Ogna type; EPIDERMOLYSIS BULLOSA SIMPLEX 5A, OGNA TYPE. Identifiers: Orphanet 79401, MedGen C0432317, MONDO:0007555, OMIM 131950.
Epidermolysis bullosa simplex 5C, with pyloric atresia (EBS5C). Also called: PLEC-Related Epidermolysis Bullosa with Pyloric Atresia; Epidermolysis bullosa simplex with pyloric atresia; PLEC1-Related Epidermolysis Bullosa with Pyloric Atresia. Identifiers: Orphanet 158684, MedGen C2677349, MONDO:0012807, OMIM 612138.
Autosomal recessive limb-girdle muscular dystrophy type 2Q (LGMDR17). Also called: MUSCULAR DYSTROPHY, LIMB-GIRDLE, AUTOSOMAL RECESSIVE 17. Identifiers: Orphanet 254361, MedGen C3150989, MONDO:0013390, OMIM 613723.
Epidermolysis bullosa simplex with nail dystrophy (EBS5D). Identifiers: MedGen C4225309, MONDO:0014661, OMIM 616487.
Inborn genetic diseases. Identifiers: MedGen C0950123, MeSH D030342.

Allele frequency attached by ClinVar (database versions not stated): gnomAD 0.00004 and 0.00005; TOPMed 0.00004; ExAC 0.00006; gnomAD exomes 0.00006 and 0.00008; 1000 Genomes Project 30x 0.00016; 1000 Genomes Project 0.00020.

Submissions (5):

Labcorp Genetics (formerly Invitae), Labcorp
Classification: Uncertain significance for Autosomal recessive limb-girdle muscular dystrophy type 2Q; Epidermolysis bullosa simplex, Ogna type; Epidermolysis bullosa simplex with nail dystrophy; Epidermolysis bullosa simplex 5C, with pyloric atresia; Epidermolysis bullosa simplex 5B, with muscular dystrophy. Last evaluated: 2025-10-02. Review status: criteria provided, single submitter. Criteria: Invitae Variant Classification Sherloc (09022015). Collection method: clinical testing. Allele origin: germline.
Comment: This sequence change replaces arginine, which is basic and polar, with glutamine, which is neutral and polar, at codon 2332 of the PLEC protein (p.Arg2332Gln). This variant is present in population databases (rs532388907, gnomAD 0.01%). This variant has not been reported in the literature in individuals affected with PLEC-related conditions. ClinVar contains an entry for this variant (Variation ID: 596318). Invitae Evidence Modeling of protein sequence and biophysical properties (such as structural, functional, and spatial information, amino acid conservation, physicochemical variation, residue mobility, and thermodynamic stability) indicates that this missense variant is expected to disrupt PLEC protein function with a positive predictive value of 80%. In summary, the available evidence is currently insufficient to determine the role of this variant in disease. Therefore, it has been classified as a Variant of Uncertain Significance.

Ambry Genetics
Classification: Uncertain significance for Inborn genetic diseases. Last evaluated: 2025-06-03. Review status: criteria provided, single submitter. Criteria: Ambry Variant Classification Scheme 2023. Collection method: clinical testing. Allele origin: germline.

Athena Diagnostics
Classification: Uncertain significance. Last evaluated: 2022-06-11. Review status: criteria provided, single submitter. Criteria: Athena Diagnostics Criteria. Collection method: clinical testing. Allele origin: unknown.

Eurofins Ntd Llc (ga)
Classification: Uncertain significance. Last evaluated: 2018-03-01. Review status: criteria provided, single submitter. Criteria: EGL ClinVar v180209 classification definitions. Collection method: clinical testing. Allele origin: germline. Observed: 2 variant alleles, 2 heterozygotes.

PreventionGenetics, part of Exact Sciences
Classification: Uncertain significance for PLEC-related condition. Last evaluated: 2024-02-07. Review status: no assertion criteria provided. Collection method: clinical testing. Allele origin: germline. Not counted in ClinVar's aggregate classification.
Comment: The PLEC c.6995G>A variant is predicted to result in the amino acid substitution p.Arg2332Gln. To our knowledge, this variant has not been reported in the literature. This variant is reported in 0.0099% of alleles in individuals of South Asian descent in gnomAD. At this time, the clinical significance of this variant is uncertain due to the absence of conclusive functional and genetic evidence.